The following is an entry in ClinVar:

NM_173651.4(FSIP2):c.19452C>T (p.Asp6484=)

Gene: FSIP2 (fibrous sheath interacting protein 2; plus strand). Cytogenetic location: 2q32.1.
Variant type: single nucleotide variant.
Coding change: c.19452C>T on transcript NM_173651.4 (MANE Select); coding-DNA position 19452, C replaced by T.
Protein change: p.Asp6484=; no amino-acid change (aspartic acid 6484 retained).
Molecular consequence: synonymous variant.
Genome position (GRCh38, 1-based): chr2:185,808,758, C>T. VCF-style: chr2-185808758-C-T. GRCh37 (hg19) VCF-style: chr2-186673485-C-T.
Other names: c.19452C>T (NM_173651.3).
Identifiers: ClinVar variation 2651756 (VCV002651756.25), dbSNP rs144702237, ClinGen allele CA2017709.

ClinVar aggregate classification (germline): Likely benign. Review status: criteria provided, single submitter (1 of 4 stars). 2 submissions from 2 submitters: Likely benign (1). 1 of the submissions does not count toward it. Last evaluated 2022-07-01.

Conditions:
FSIP2-related disorder. Also called: FSIP2-related condition.

Allele frequency attached by ClinVar (database versions not stated): gnomAD exomes 0.00148; ExAC 0.00237; ESP Exome Variant Server 0.00340; gnomAD 0.00363; 1000 Genomes Project 0.00479; TOPMed 0.00480; 1000 Genomes Project 30x 0.00515.
gnomAD v4.1: 2,850 of 1,612,492 alleles (0.18%); highest among the groups gnomAD compares: Admixed American, 0.93%; 13 homozygotes.

Submissions (2):

CeGaT Center for Human Genetics Tuebingen
Classification: Likely benign. Last evaluated: 2022-07-01. Review status: criteria provided, single submitter. Criteria: CeGaT Center For Human Genetics Tuebingen Variant Classification Criteria Version 2. Collection method: clinical testing. Allele origin: germline. Affected: yes. Observed: 1 variant allele.
Comment: FSIP2: BP4, BP7

PreventionGenetics, part of Exact Sciences
Classification: Likely benign for FSIP2-related condition. Last evaluated: 2019-02-22. Review status: no assertion criteria provided. Collection method: clinical testing. Allele origin: germline. Not counted in ClinVar's aggregate classification.
Comment: This variant is classified as likely benign based on ACMG/AMP sequence variant interpretation guidelines (Richards et al. 2015 PMID: 25741868, with internal and published modifications).